The following is an entry in ClinVar:

ClinVar aggregate classification (germline): Uncertain significance (1 of 4 stars; one submission).

Submission:

Women's Health and Genetics/Laboratory Corporation of America, LabCorp
Classification: Uncertain significance. Last evaluated: 2023-11-13. Review status: criteria provided, single submitter. Criteria: LabCorp Variant Classification Summary - May 2015. Collection method: clinical testing. Allele origin: germline.
Comment: Variant summary: COL11A2 c.5195T>C (p.Val1732Ala) results in a non-conservative amino acid change located in the Fibrillar collagen, C-terminal (IPR000885) of the encoded protein sequence. Three of five in-silico tools predict a damaging effect of the variant on protein function. The variant was absent in 245268 control chromosomes (gnomAD). The available data on variant occurrences in the general population are insufficient to allow any conclusion about variant significance. To our knowledge, no occurrence of c.5195T>C in individuals affected with COL11A2-Related Disorders and no experimental evidence demonstrating its impact on protein function have been reported. No submitters have cited clinical-significance assessments for this variant to ClinVar after 2014. Based on the evidence outlined above, the variant was classified as uncertain significance.

NM_080680.3(COL11A2):c.5195T>C (p.Val1732Ala)

Gene: COL11A2 (collagen type XI alpha 2 chain; minus strand). Cytogenetic location: 6p21.32.
Variant type: single nucleotide variant.
Coding change: c.5195T>C on transcript NM_080680.3 (MANE Select); coding-DNA position 5195, T replaced by C.
Protein change: p.Val1732Ala; replaces valine 1732 with alanine.
Molecular consequence: missense variant.
Genome position (GRCh38, 1-based): chr6:33,163,694, A>G on the plus strand (T>C on the coding strand, the complement: COL11A2 is on the minus strand). VCF-style: chr6-33163694-A-G. GRCh37 (hg19) VCF-style: chr6-33131471-A-G.
Other names: c.5015T>C, p.Val1672Ala (NM_001424108.1); c.4349T>C, p.Val1450Ala (NM_001424109.1); c.4169T>C, p.Val1390Ala (NM_001424110.1, NM_001424111.1); c.3149T>C, p.Val1050Ala (NM_001424112.1); c.4874T>C, p.Val1625Ala (NM_080679.3); c.4937T>C, p.Val1646Ala (NM_080681.3); short protein forms V1050A, V1390A, V1450A, V1625A, V1646A, V1672A, V1732A.
Identifiers: ClinVar variation 2682493 (VCV002682493.1), dbSNP rs777836375, ClinGen allele CA363615360.